The following is an entry in ClinVar:

ClinVar aggregate classification (germline): Uncertain significance. Review status: criteria provided, multiple submitters, no conflicts (2 of 4 stars). 2 submissions from 2 submitters: Uncertain significance (2). Last evaluated 2024-12-02.

Conditions:
Inborn genetic diseases. Identifiers: MedGen C0950123, MeSH D030342.

gnomAD v4.1: 2 of 1,614,208 alleles (0.00012%); highest among the groups gnomAD compares: Non-Finnish European, 0.00017%; no homozygotes.

Submissions (2):

Ambry Genetics
Classification: Uncertain significance for Inborn genetic diseases. Last evaluated: 2024-12-02. Review status: criteria provided, single submitter. Criteria: Ambry Variant Classification Scheme 2023. Collection method: clinical testing. Allele origin: germline.

GeneDx
Classification: Uncertain significance. Last evaluated: 2024-09-18. Review status: criteria provided, single submitter. Criteria: GeneDx Variant Classification Process June 2021. Collection method: clinical testing. Allele origin: germline. Affected: yes.
Comment: Not observed at significant frequency in large population cohorts (gnomAD); In silico analysis indicates that this missense variant does not alter protein structure/function; Has not been previously published as pathogenic or benign to our knowledge

NM_001197104.2(KMT2A):c.9017A>G (p.His3006Arg)

Gene: KMT2A (lysine methyltransferase 2A; plus strand). Cytogenetic location: 11q23.3.
Variant type: single nucleotide variant.
Coding change: c.9017A>G on transcript NM_001197104.2 (MANE Select); coding-DNA position 9017, A replaced by G.
Protein change: p.His3006Arg; replaces histidine 3006 with arginine.
Molecular consequence: missense variant.
Genome position (GRCh38, 1-based): chr11:118,504,909, A>G. VCF-style: chr11-118504909-A-G. GRCh37 (hg19) VCF-style: chr11-118375624-A-G.
Other names: c.9107A>G, p.His3036Arg (NM_001412597.1); c.9008A>G, p.His3003Arg (NM_005933.4); short protein forms H3036R, H3006R, H3003R.
Identifiers: ClinVar variation 3535457 (VCV003535457.2).